The following is an entry in ClinVar:

ClinVar aggregate classification (germline): Pathogenic (1 of 4 stars; one submission).

Submission:

Labcorp Genetics (formerly Invitae), Labcorp
Classification: Pathogenic. Last evaluated: 2024-03-12. Review status: criteria provided, single submitter. Criteria: Invitae Variant Classification Sherloc (09022015). Collection method: clinical testing. Allele origin: germline.
Comment: This sequence change creates a premature translational stop signal (p.Val2044Serfs*58) in the MYO7A gene. It is expected to result in an absent or disrupted protein product. Loss-of-function variants in MYO7A are known to be pathogenic (PMID: 8900236, 25404053). This variant is not present in population databases (gnomAD no frequency). This variant has not been reported in the literature in individuals affected with MYO7A-related conditions. ClinVar contains an entry for this variant (Variation ID: 2117909). For these reasons, this variant has been classified as Pathogenic.

Literature cited by the submitters: PubMed 8900236; PubMed 25404053.

NM_000260.4(MYO7A):c.6130del (p.Val2044fs)

Gene: MYO7A (myosin VIIA; plus strand). Cytogenetic location: 11q13.5.
Variant type: Deletion.
Coding change: c.6130del on transcript NM_000260.4 (MANE Select); coding-DNA position 6130, one base deleted (G; older notation c.6130delG).
Protein change: p.Val2044fs; shifts the reading frame from valine 2044.
Molecular consequence: frameshift variant.
Genome position (GRCh38, 1-based): chr11:77,211,230, G deleted; the last of 3 consecutive G bases (chr11:77,211,228-77,211,230); deleting any one gives the same sequence. VCF-style (leftmost placement, unchanged base first): chr11-77211227-AG-A. GRCh37 (hg19) VCF-style: chr11-76922272-AG-A.
Other names: c.6016del, p.Val2006fs (NM_001127180.2); c.5983del, p.Val1995fs (NM_001369365.1); short protein forms V2006fs, V1995fs, V2044fs.
Identifiers: ClinVar variation 2117909 (VCV002117909.4), dbSNP rs2497799898, ClinGen allele CA2580084906.